The following is an entry in ClinVar:

NM_000264.5(PTCH1):c.14G>C (p.Gly5Ala)

Genes: PTCH1 (patched 1; minus strand), LOC130002133 (ATAC-STARR-seq lymphoblastoid silent region 20071; plus strand). Cytogenetic location: 9q22.32.
Variant type: single nucleotide variant.
Coding change: c.14G>C on transcript NM_000264.5 (MANE Select); coding-DNA position 14, G replaced by C.
Protein change: p.Gly5Ala; replaces glycine 5 with alanine.
Molecular consequence: missense variant. On other transcripts: non-coding transcript variant (1), intron variant (3).
Genome position (GRCh38, 1-based): chr9:95,508,348, C>G on the plus strand (G>C on the coding strand, the complement: PTCH1 is on the minus strand). VCF-style: chr9-95508348-C-G. GRCh37 (hg19) VCF-style: chr9-98270630-C-G.
Other names: c.14G>C, p.Gly5Ala (NM_001354918.2); c.199-1749G>C (NM_001083603.3); c.4-1749G>C (NM_001083602.3, NM_001354919.2); c.14G>C (NM_000264.4); short protein forms G5A.
Identifiers: ClinVar variation 221148 (VCV000221148.17), dbSNP rs864622762, ClinGen allele CA347992.

ClinVar aggregate classification (germline): Conflicting classifications of pathogenicity. Review status: criteria provided, conflicting classifications (1 of 4 stars). 5 submissions from 5 submitters: Uncertain significance (4); Likely benign (1). Last evaluated 2025-10-13.

Conditions:
Hereditary cancer-predisposing syndrome. Also called: Tumor predisposition; Hereditary neoplastic syndrome; Neoplastic Syndromes, Hereditary; Hereditary Cancer Syndrome. Identifiers: Orphanet 140162, MedGen C0027672, MeSH D009386, MONDO:0015356.
Basal cell carcinoma, susceptibility to, 1. Also called: BCC1. Identifiers: MedGen C2751544, MONDO:0011556, OMIM 605462.
Gorlin syndrome. Also called: Nevoid Basal Cell Carcinoma Syndrome; Basal cell nevus syndrome. Identifiers: Orphanet 377, MedGen C0004779, MONDO:0007187.

Allele frequency attached by ClinVar (database versions not stated): gnomAD 0.00001; TOPMed 0.00001.

Submissions (5):

Labcorp Genetics (formerly Invitae), Labcorp
Classification: Uncertain significance for Gorlin syndrome. Last evaluated: 2025-10-13. Review status: criteria provided, single submitter. Criteria: Invitae Variant Classification Sherloc (09022015). Collection method: clinical testing. Allele origin: germline.
Comment: This sequence change replaces glycine, which is neutral and non-polar, with alanine, which is neutral and non-polar, at codon 5 of the PTCH1 protein (p.Gly5Ala). This variant is not present in population databases (gnomAD no frequency). This variant has not been reported in the literature in individuals affected with PTCH1-related conditions. ClinVar contains an entry for this variant (Variation ID: 221148). Invitae Evidence Modeling of protein sequence and biophysical properties (such as structural, functional, and spatial information, amino acid conservation, physicochemical variation, residue mobility, and thermodynamic stability) indicates that this missense variant is not expected to disrupt PTCH1 protein function with a negative predictive value of 95%. In summary, the available evidence is currently insufficient to determine the role of this variant in disease. Therefore, it has been classified as a Variant of Uncertain Significance.

GeneDx
Classification: Uncertain significance. Last evaluated: 2023-12-28. Review status: criteria provided, single submitter. Criteria: GeneDx Variant Classification Process June 2021. Collection method: clinical testing. Allele origin: germline. Affected: yes.
Comment: Not observed at significant frequency in large population cohorts (gnomAD); In silico analysis supports that this missense variant does not alter protein structure/function; Has not been previously published as pathogenic or benign to our knowledge

Baylor Genetics
Classification: Uncertain significance for Basal cell carcinoma, susceptibility to, 1. Last evaluated: 2023-09-13. Review status: criteria provided, single submitter. Criteria: ACMG Guidelines, 2015. Collection method: clinical testing. Allele origin: unknown.

Quest Diagnostics Nichols Institute San Juan Capistrano
Classification: Uncertain significance. Last evaluated: 2023-06-08. Review status: criteria provided, single submitter. Criteria: Quest Diagnostics criteria. Collection method: clinical testing. Allele origin: unknown.
Comment: This variant has not been reported in the published literature. The frequency of this variant in the general population, 0.000018 (2/112980 chromosomes (Genome Aggregation Database)), is uninformative in the assessment of its pathogenicity. Analysis of this variant using bioinformatics tools for the prediction of the effect of amino acid changes on protein structure and function yielded predictions that this variant is benign. Based on the available information, we are unable to determine the clinical significance of this variant.

Ambry Genetics
Classification: Likely benign for Hereditary cancer-predisposing syndrome. Last evaluated: 2023-04-17. Review status: criteria provided, single submitter. Criteria: Ambry Variant Classification Scheme 2023. Collection method: clinical testing. Allele origin: germline.